The following is an entry in ClinVar:

ClinVar aggregate classification (germline): Benign (0 of 4 stars; one submission).

Conditions:
MYO7B-related disorder. Also called: MYO7B-related condition.

Allele frequency attached by ClinVar (database versions not stated): ESP Exome Variant Server 0.00632; gnomAD 0.00662; 1000 Genomes Project 0.00699; TOPMed 0.00751; 1000 Genomes Project 30x 0.00828.
gnomAD v4.1: 1,922 of 1,613,462 alleles (0.12%); highest among the groups gnomAD compares: African/African-American, 2.2%; 15 homozygotes.

Submission:

PreventionGenetics, part of Exact Sciences
Classification: Benign for MYO7B-related condition. Last evaluated: 2019-05-01. Review status: no assertion criteria provided. Collection method: clinical testing. Allele origin: germline.
Comment: This variant is classified as benign based on ACMG/AMP sequence variant interpretation guidelines (Richards et al. 2015 PMID: 25741868, with internal and published modifications).

NM_001393586.1(MYO7B):c.1026C>T (p.Asp342=)

Gene: MYO7B (myosin VIIB; plus strand). Cytogenetic location: 2q14.3.
Variant type: single nucleotide variant.
Coding change: c.1026C>T on transcript NM_001393586.1 (MANE Select); coding-DNA position 1026, C replaced by T.
Protein change: p.Asp342=; no amino-acid change (aspartic acid 342 retained).
Molecular consequence: synonymous variant.
Genome position (GRCh38, 1-based): chr2:127,580,768, C>T. VCF-style: chr2-127580768-C-T. GRCh37 (hg19) VCF-style: chr2-128338343-C-T.
Other names: c.1026C>T, p.Asp342= (NM_001080527.2).
Identifiers: ClinVar variation 3037528 (VCV003037528.2), dbSNP rs61738426, ClinGen allele CA1860650.